The following is an entry in ClinVar:

NM_000393.5(COL5A2):c.2831G>A (p.Arg944His)

Gene: COL5A2 (collagen type V alpha 2 chain; minus strand). Cytogenetic location: 2q32.2.
Variant type: single nucleotide variant.
Coding change: c.2831G>A on transcript NM_000393.5 (MANE Select); coding-DNA position 2831, G replaced by A.
Protein change: p.Arg944His; replaces arginine 944 with histidine.
Molecular consequence: missense variant.
Genome position (GRCh38, 1-based): chr2:189,051,420, C>T on the plus strand (G>A on the coding strand, the complement: COL5A2 is on the minus strand). VCF-style: chr2-189051420-C-T. GRCh37 (hg19) VCF-style: chr2-189916146-C-T.
Other names: short protein forms R944H.
Identifiers: ClinVar variation 811946 (VCV000811946.17), dbSNP rs761988412, ClinGen allele CA2022173.

ClinVar aggregate classification (germline): Conflicting classifications of pathogenicity. Review status: criteria provided, conflicting classifications (1 of 4 stars). 3 submissions from 3 submitters: Uncertain significance (2); Likely benign (1). Last evaluated 2025-06-10.

Conditions:
Ehlers-Danlos syndrome, classic type, 1 (EDSCL1). Also called: Ehlers-Danlos syndrome, type 1; Ehlers-Danlos Syndrome, Classic Type, COL5A1-Related; EDS I; EHLERS-DANLOS SYNDROME, GRAVIS TYPE; EHLERS-DANLOS SYNDROME, SEVERE CLASSIC TYPE. Identifiers: MedGen C0268335, MONDO:0019567, OMIM 130000.
Ehlers-Danlos syndrome, classic type, 2 (EDSCL2). Also called: Ehlers-Danlos syndrome, type 2; Ehlers-Danlos Syndrome, Classic Type, COL5A2-Related; Ehlers-Danlos syndrome type 2 (formerly). Identifiers: Orphanet 287, Orphanet 90318, MedGen C0268336, MONDO:0019568, OMIM 130010.

Allele frequency attached by ClinVar (database versions not stated): ExAC 0.00001; TOPMed 0.00001; gnomAD 0.00001.
gnomAD v4.1: 10 of 1,613,640 alleles (0.00062%); highest among the groups gnomAD compares: South Asian, 0.0033%; no homozygotes.

Submissions (3):

GeneDx
Classification: Uncertain significance. Last evaluated: 2025-06-10. Review status: criteria provided, single submitter. Criteria: GeneDx Variant Classification Process June 2021. Collection method: clinical testing. Allele origin: germline. Affected: yes.
Comment: Not observed at significant frequency in large population cohorts (gnomAD); In silico analysis supports that this missense variant has a deleterious effect on protein structure/function; Has not been previously published as pathogenic or benign to our knowledge

Labcorp Genetics (formerly Invitae), Labcorp
Classification: Likely benign for Ehlers-Danlos syndrome, classic type, 1. Last evaluated: 2023-10-14. Review status: criteria provided, single submitter. Criteria: Invitae Variant Classification Sherloc (09022015). Collection method: clinical testing. Allele origin: germline.

ARUP Laboratories, Molecular Genetics and Genomics, ARUP Laboratories
Classification: Uncertain significance for Ehlers-Danlos syndrome, classic type, 2. Last evaluated: 2019-04-07. Review status: criteria provided, single submitter. Criteria: ARUP Molecular Germline Variant Investigation Process. Collection method: clinical testing. Allele origin: germline.
Comment: The COL5A2c.2831G>A; p.Arg944His variant (rs761988412), to our knowledge, is not reported in the medical literature or gene specific databases. This variant is only observed on one allele in the Genome Aggregation Database, indicating it is not a common polymorphism. The arginine at codon 944 is highly conserved, but computational analyses (SIFT: damaging, PolyPhen-2: benign) predict conflicting effects of this variant on protein structure/function. Due to limited information, the clinical significance of the p.Arg944His variant is uncertain at this time.